The following is an entry in ClinVar:

ClinVar aggregate classification (germline): Uncertain significance. Review status: criteria provided, multiple submitters, no conflicts (2 of 4 stars). 2 submissions from 2 submitters: Uncertain significance (2). Last evaluated 2025-07-02.

gnomAD v4.1: 3 of 1,613,426 alleles (0.00019%); highest among the groups gnomAD compares: Non-Finnish European, 0.00025%; no homozygotes.

Submissions (2):

GeneDx
Classification: Uncertain significance. Last evaluated: 2025-07-02. Review status: criteria provided, single submitter. Criteria: GeneDx Variant Classification Process June 2021. Collection method: clinical testing. Allele origin: germline. Affected: yes.
Comment: Nonsense variant predicted to result in protein truncation or nonsense mediated decay in a gene or region of a gene for which loss of function is not a well-established mechanism of disease; Not observed at significant frequency in large population cohorts (gnomAD); Has not been previously published as pathogenic or benign to our knowledge

Labcorp Genetics (formerly Invitae), Labcorp
Classification: Uncertain significance. Last evaluated: 2022-08-08. Review status: criteria provided, single submitter. Criteria: Invitae Variant Classification Sherloc (09022015). Collection method: clinical testing. Allele origin: germline.
Comment: This sequence change creates a premature translational stop signal (p.Arg1150*) in the SCN3A gene. It is expected to result in an absent or disrupted protein product. However, the current clinical and genetic evidence is not sufficient to establish whether loss-of-function variants in SCN3A cause disease. In summary, the available evidence is currently insufficient to determine the role of this variant in disease. Therefore, it has been classified as a Variant of Uncertain Significance. This variant has not been reported in the literature in individuals affected with SCN3A-related conditions. This variant is not present in population databases (gnomAD no frequency).

NM_006922.4(SCN3A):c.3448C>T (p.Arg1150Ter)

Gene: SCN3A (sodium voltage-gated channel alpha subunit 3; minus strand). Cytogenetic location: 2q24.3.
Variant type: single nucleotide variant.
Coding change: c.3448C>T on transcript NM_006922.4 (MANE Select); coding-DNA position 3448, C replaced by T.
Protein change: p.Arg1150Ter; replaces arginine 1150 with a stop codon.
Molecular consequence: nonsense.
Genome position (GRCh38, 1-based): chr2:165,115,521, G>A on the plus strand (C>T on the coding strand, the complement: SCN3A is on the minus strand). VCF-style: chr2-165115521-G-A. GRCh37 (hg19) VCF-style: chr2-165972031-G-A.
Other names: c.3301C>T, p.Arg1101Ter (NM_001081676.2, NM_001081677.2); c.3448C>T (NM_006922.3); short protein forms R1101*, R1150*.
Identifiers: ClinVar variation 2022561 (VCV002022561.5), dbSNP rs1553520270, ClinGen allele CA349035804.